The following is an entry in ClinVar:

NM_001042492.3(NF1):c.7450_7453del (p.Ser2484fs)

Gene: NF1 (neurofibromin 1; plus strand). Cytogenetic location: 17q11.2.
Variant type: Deletion.
Coding change: c.7450_7453del on transcript NM_001042492.3 (MANE Select); coding-DNA positions 7450 to 7453, 4 bases deleted (TCCT; older notation c.7450_7453delTCCT).
Protein change: p.Ser2484fs; shifts the reading frame from serine 2484.
Molecular consequence: frameshift variant.
Genome position (GRCh38, 1-based): chr17:31,350,311-31,350,314, TCCT deleted; deleting any 4 consecutive bases within chr17:31,350,308-31,350,314 gives the same sequence; the c. name uses the placement nearest the transcript's 3' end. VCF-style (leftmost placement, unchanged base first): chr17-31350307-CCCTT-C. GRCh37 (hg19) VCF-style: chr17-29677325-CCCTT-C.
Other names: c.7387_7390delTCCT, p.Ser2463Ilefs (NM_000267.4); c.7387_7390delTCCT (NM_000267.3); short protein forms S2463fs, S2484fs.
Identifiers: ClinVar variation 3404811 (VCV003404811.2).

ClinVar aggregate classification (germline): Pathogenic/Likely pathogenic. Review status: criteria provided, multiple submitters, no conflicts (2 of 4 stars). 2 submissions from 2 submitters: Pathogenic (1); Likely pathogenic (1). Last evaluated 2024-10-30.

Conditions:
Hereditary cancer-predisposing syndrome. Also called: Hereditary Cancer Syndrome; Tumor predisposition; Hereditary neoplastic syndrome; Neoplastic Syndromes, Hereditary. Identifiers: Orphanet 140162, MedGen C0027672, MeSH D009386, MONDO:0015356.
Cardiovascular phenotype. Identifiers: MedGen CN230736.

Submissions (2):

Ambry Genetics
Classification: Pathogenic for Cardiovascular phenotype; Hereditary cancer-predisposing syndrome. Last evaluated: 2024-10-30. Review status: criteria provided, single submitter. Criteria: Ambry Variant Classification Scheme 2023. Collection method: clinical testing. Allele origin: germline.
Comment: The c.7387_7390delTCCT pathogenic mutation, located in coding exon 49 of the NF1 gene, results from a deletion of 4 nucleotides at nucleotide positions 7387 to 7390, causing a translational frameshift with a predicted alternate stop codon (p.S2463Ifs*4). This variant has been observed in at least one individual with a personal and/or family history that is consistent with neurofibromatosis type 1 (Ambry internal data). This variant is considered to be rare based on population cohorts in the Genome Aggregation Database (gnomAD). This alteration is expected to result in loss of function by premature protein truncation or nonsense-mediated mRNA decay. As such, this alteration is interpreted as a disease-causing mutation.

ARUP Laboratories, Molecular Genetics and Genomics, ARUP Laboratories
Classification: Likely pathogenic. Last evaluated: 2024-05-29. Review status: criteria provided, single submitter. Criteria: ARUP Molecular Germline Variant Investigation Process 2024. Collection method: clinical testing. Allele origin: germline.
Comment: The NF1 c.7450_7453del; p.Ser2484IlefsTer4 variant, to our knowledge, is not reported in the medical literature or gene specific databases. This variant is also absent from the Genome Aggregation Database (v2.1.1), indicating it is not a common polymorphism. This variant causes a frameshift by deleting four nucleotides, so it is predicted to result in a truncated protein or mRNA subject to nonsense-mediated decay. Additionally, several downstream truncating variants have been described in individuals with Neurofibromatosis, type 1 and are considered pathogenic (Ho 2022). Based on available information, this variant is considered to be likely pathogenic. References: Ho SK et al. Old and new perspectives on Neurofibromatosis type 1: Clinical and molecular characterization of 832 patients from a single centre over 16 years. Eur J Med Genet. 2022 Apr;65(4):104474. PMID: 35240321.